The following is an entry in ClinVar:

NM_017849.4(TMEM127):c.386A>G (p.Tyr129Cys)

Gene: TMEM127 (transmembrane protein 127; minus strand). Cytogenetic location: 2q11.2.
Variant type: single nucleotide variant.
Coding change: c.386A>G on transcript NM_017849.4 (MANE Select); coding-DNA position 386, A replaced by G.
Protein change: p.Tyr129Cys; replaces tyrosine 129 with cysteine.
Molecular consequence: missense variant.
Genome position (GRCh38, 1-based): chr2:96,254,856, T>C on the plus strand (A>G on the coding strand, the complement: TMEM127 is on the minus strand). VCF-style: chr2-96254856-T-C. GRCh37 (hg19) VCF-style: chr2-96920594-T-C.
Other names: c.386A>G, p.Tyr129Cys (NM_001193304.3); c.134A>G, p.Tyr45Cys (NM_001407282.1, NM_001407283.1); short protein forms Y129C, Y45C.
Identifiers: ClinVar variation 2914011 (VCV002914011.3), dbSNP rs753967360, ClinGen allele CA1777336.
Genomic context (GRCh38, chr2:96,254,856, plus strand): 5'-CAGTTCCTCTCCCACTGTGAGCAGGCTCACGGCTTACCCGTTAGGATATGGGCGAAGGCA[T>C]AGCGACGAGTGATCTTCAGAGCAGGATGCTTCGGCCCAAAGACATCCAGAAGGAAAGCGG-3'
Protein context (NP_060319.1, residues 119-139): KHPALKITRR[Tyr129Cys]AFAHILTVLQ

ClinVar aggregate classification (germline): Uncertain significance (1 of 4 stars; one submission).

Conditions:
Hereditary pheochromocytoma and paraganglioma. Also called: Hereditary paragangliomas and pheochromocytomas; Hereditary Paraganglioma-Pheochromocytoma Syndromes; Hereditary pheochromocytoma-paraganglioma. Identifiers: Orphanet 29072, MedGen C4274332, MONDO:0017366.

Allele frequency attached by ClinVar (database versions not stated): gnomAD exomes below 0.00001; ExAC 0.00001.
gnomAD v4.1: 1 of 1,614,014 alleles (0.000062%); highest among the groups gnomAD compares: Non-Finnish European, 0.000085%; no homozygotes.

Submission:

Labcorp Genetics (formerly Invitae), Labcorp
Classification: Uncertain significance for Hereditary pheochromocytoma and paraganglioma. Last evaluated: 2022-12-31. Review status: criteria provided, single submitter. Criteria: Invitae Variant Classification Sherloc (09022015). Collection method: clinical testing. Allele origin: germline.
Comment: Algorithms developed to predict the effect of missense changes on protein structure and function (SIFT, PolyPhen-2, Align-GVGD) all suggest that this variant is likely to be disruptive. In summary, the available evidence is currently insufficient to determine the role of this variant in disease. Therefore, it has been classified as a Variant of Uncertain Significance. This variant has not been reported in the literature in individuals affected with TMEM127-related conditions. This sequence change replaces tyrosine, which is neutral and polar, with cysteine, which is neutral and slightly polar, at codon 129 of the TMEM127 protein (p.Tyr129Cys). This variant is present in population databases (rs753967360, gnomAD 0.0009%).